The following is an entry in ClinVar:

NM_006009.4(TUBA1A):c.138T>A (p.Asp46Glu)

Gene: TUBA1A (tubulin alpha 1a; minus strand). Cytogenetic location: 12q13.12.
Variant type: single nucleotide variant.
Coding change: c.138T>A on transcript NM_006009.4 (MANE Select); coding-DNA position 138, T replaced by A.
Protein change: p.Asp46Glu; replaces aspartic acid 46 with glutamic acid.
Molecular consequence: missense variant.
Genome position (GRCh38, 1-based): chr12:49,186,699, A>T on the plus strand (T>A on the coding strand, the complement: TUBA1A is on the minus strand). VCF-style: chr12-49186699-A-T. GRCh37 (hg19) VCF-style: chr12-49580482-A-T.
Other names: c.138T>A, p.Asp46Glu (NM_001270399.2); c.33T>A, p.Asp11Glu (NM_001270400.2); short protein forms D11E, D46E.
Identifiers: ClinVar variation 4741592 (VCV004741592.1).

ClinVar aggregate classification (germline): Uncertain significance (1 of 4 stars; one submission).

Submission:

Labcorp Genetics (formerly Invitae), Labcorp
Classification: Uncertain significance. Last evaluated: 2025-05-01. Review status: criteria provided, single submitter. Criteria: Invitae Variant Classification Sherloc (09022015). Collection method: clinical testing. Allele origin: germline.
Comment: This sequence change replaces aspartic acid, which is acidic and polar, with glutamic acid, which is acidic and polar, at codon 46 of the TUBA1A protein (p.Asp46Glu). This variant is not present in population databases (gnomAD no frequency). This variant has not been reported in the literature in individuals affected with TUBA1A-related conditions. Invitae Evidence Modeling of protein sequence and biophysical properties (such as structural, functional, and spatial information, amino acid conservation, physicochemical variation, residue mobility, and thermodynamic stability) indicates that this missense variant is not expected to disrupt TUBA1A protein function with a negative predictive value of 80%. In summary, the available evidence is currently insufficient to determine the role of this variant in disease. Therefore, it has been classified as a Variant of Uncertain Significance.